The following is an entry in ClinVar:

ClinVar aggregate classification (germline): Uncertain significance (1 of 4 stars; one submission).

Allele frequency attached by ClinVar (database versions not stated): gnomAD exomes 0.00002.

Submission:

Labcorp Genetics (formerly Invitae), Labcorp
Classification: Uncertain significance. Last evaluated: 2025-07-27. Review status: criteria provided, single submitter. Criteria: Invitae Variant Classification Sherloc (09022015). Collection method: clinical testing. Allele origin: germline.
Comment: This sequence change replaces proline, which is neutral and non-polar, with leucine, which is neutral and non-polar, at codon 196 of the THBD protein (p.Pro196Leu). The frequency data for this variant in the population databases is considered unreliable, as metrics indicate poor data quality at this position in the gnomAD database. This variant has not been reported in the literature in individuals affected with THBD-related conditions. ClinVar contains an entry for this variant (Variation ID: 1515487). Invitae Evidence Modeling of protein sequence and biophysical properties (such as structural, functional, and spatial information, amino acid conservation, physicochemical variation, residue mobility, and thermodynamic stability) indicates that this missense variant is expected to disrupt THBD protein function with a positive predictive value of 80%. In summary, the available evidence is currently insufficient to determine the role of this variant in disease. Therefore, it has been classified as a Variant of Uncertain Significance.

NM_000361.3(THBD):c.587C>T (p.Pro196Leu)

Gene: THBD (thrombomodulin; minus strand). Cytogenetic location: 20p11.21.
Variant type: single nucleotide variant.
Coding change: c.587C>T on transcript NM_000361.3 (MANE Select); coding-DNA position 587, C replaced by T.
Protein change: p.Pro196Leu; replaces proline 196 with leucine.
Molecular consequence: missense variant.
Genome position (GRCh38, 1-based): chr20:23,048,918, G>A on the plus strand (C>T on the coding strand, the complement: THBD is on the minus strand). VCF-style: chr20-23048918-G-A. GRCh37 (hg19) VCF-style: chr20-23029555-G-A.
Other names: short protein forms P196L.
Identifiers: ClinVar variation 1515487 (VCV001515487.6), dbSNP rs1365036377, ClinGen allele CA408407369.
Genomic context (GRCh38, chr20:23,048,918, plus strand): 5'-GCCACCGCGGCGGAGCTGCCCACCGGCAGCGCCTGGAAGTCCGCTCCGCGGGCCGCGAAC[G>A]GGGTGCCGTAGGTGATCGAGACGGCGGCAGCCGCGGCGCCGGGCTCCACAGCCAGTGGCC-3'
Protein context (NP_000352.1, residues 186-206): AAAVSITYGT[Pro196Leu]FAARGADFQA